The following is an entry in ClinVar:

NM_000051.4(ATM):c.8373C>A (p.Tyr2791Ter)

Genes: C11orf65 (chromosome 11 open reading frame 65; minus strand), ATM (ATM serine/threonine kinase; plus strand). Cytogenetic location: 11q22.3.
Variant type: single nucleotide variant.
Coding change: c.8373C>A on transcript NM_000051.4 (MANE Select); coding-DNA position 8373, C replaced by A.
Protein change: p.Tyr2791Ter; replaces tyrosine 2791 with a stop codon.
Molecular consequence: nonsense. On other transcripts: intron variant (2).
Genome position (GRCh38, 1-based): chr11:108,343,326, C>A. VCF-style: chr11-108343326-C-A. GRCh37 (hg19) VCF-style: chr11-108214053-C-A.
Other names: c.8373C>A, p.Tyr2791Ter (NM_001351834.2); c.641-34255G>T (NM_001330368.2); c.695-8034G>T (NM_001351110.2); short protein forms Y2791*.
Identifiers: ClinVar variation 420016 (VCV000420016.19), dbSNP rs1060504292, ClinGen allele CA16619258.
Genomic context (GRCh38, chr11:108,343,326, plus strand): 5'-AGGAACTGTCCCCATTGGTGAATTTCTTGTTAACAATGAAGATGGTGCTCATAAAAGATA[C>A]AGGCCAAATGATTTCAGTGCCTTTCAGTGCCAAAAGAAAATGATGGTGAGTGACACCCAA-3'

ClinVar aggregate classification (germline): Pathogenic/Likely pathogenic. Review status: criteria provided, multiple submitters, no conflicts (2 of 4 stars). 10 submissions from 10 submitters: Pathogenic (8); Likely pathogenic (1). 1 of the submissions does not count toward it. Last evaluated 2026-01-18.

Conditions:
Hereditary cancer-predisposing syndrome. Also called: Neoplastic Syndromes, Hereditary; Hereditary Cancer Syndrome; Tumor predisposition; Hereditary neoplastic syndrome. Identifiers: Orphanet 140162, MedGen C0027672, MeSH D009386, MONDO:0015356.
Familial cancer of breast. Also called: Hereditary breast cancer; BREAST CANCER, FAMILIAL; hereditary breast carcinoma. Identifiers: Orphanet 227535, MedGen C0346153, MONDO:0016419, OMIM 114480. Disease mechanism: loss of function.
Ataxia-telangiectasia syndrome (AT). Also called: LOUIS-BAR SYNDROME; Cerebello-oculocutaneous telangiectasia; Immunodeficiency with ataxia telangiectasia; Ataxia-telangiectasia, complementation group D; AT, COMPLEMENTATION GROUP C; Ataxia-telangiectasia, complementation group E. Identifiers: Orphanet 100, MedGen C0004135, MONDO:0008840, OMIM 208900.

Submissions (10):

Labcorp Genetics (formerly Invitae), Labcorp
Classification: Pathogenic for Ataxia-telangiectasia syndrome. Last evaluated: 2026-01-18. Review status: criteria provided, single submitter. Criteria: Invitae Variant Classification Sherloc (09022015). Collection method: clinical testing. Allele origin: germline.
Comment: This sequence change creates a premature translational stop signal (p.Tyr2791*) in the ATM gene. It is expected to result in an absent or disrupted protein product. Loss-of-function variants in ATM are known to be pathogenic (PMID: 23807571, 25614872). This variant is not present in population databases (gnomAD no frequency). This premature translational stop signal has been observed in individual(s) with ataxia telangiectasia (PMID: 9792409, 22213089). ClinVar contains an entry for this variant (Variation ID: 420016). RNA analysis performed to evaluate the impact of this premature translational stop signal on mRNA splicing indicates it does not significantly alter splicing (internal data). For these reasons, this variant has been classified as Pathogenic.

Natera, Inc.
Classification: Pathogenic for Ataxia-telangiectasia. Last evaluated: 2026-01-12. Review status: criteria provided, single submitter. Criteria: Natera Variant Classification Schema (03/2026). Collection method: clinical testing. Allele origin: germline.
Comment: The c.8373C>A variant in ATM is a nonsense variant predicted to introduce a stop codon at amino acid 2791. This variant is expected to result in nonsense mediated decay, truncation, or a dysfunctional protein product. This variant is rare in the general population with a frequency below the threshold expected for the associated phenotype(s). This variant has been observed in one or more individuals affected with the associated recessive disease, as either homozygous or compound heterozygous with a second variant (PMID: 9792409, 37878632). Given the available evidence, this variant is classified as Pathogenic.

3billion
Classification: Pathogenic for Ataxia-telangiectasia syndrome. Last evaluated: 2025-01-18. Review status: criteria provided, single submitter. Criteria: ACMG Guidelines, 2015. Collection method: clinical testing. Allele origin: germline. Affected: yes.
Comment: The variant is not observed in the gnomAD v4.1.0 dataset. Predicted Consequence/Location: Stop-gained (nonsense): predicted to result in a loss or disruption of normal protein function through nonsense-mediated decay (NMD) or protein truncation. Multiple pathogenic variants are reported downstream of the variant. The variant has been reported at least twice as pathogenic with clinical assertions and evidence for the classification (ClinVar ID: VCV000420016 /PMID: 9792409 /3billion dataset). Therefore, this variant is classified as Pathogenic according to the recommendation of ACMG/AMP guideline.

Myriad Genetics, Inc.
Classification: Pathogenic for Familial cancer of breast. Last evaluated: 2024-02-02. Review status: criteria provided, single submitter. Criteria: Myriad Autosomal Dominant, Autosomal Recessive and X-Linked Classification Criteria (2023). Collection method: clinical testing. Allele origin: unknown.
Comment: This variant is considered pathogenic. This variant creates a termination codon and is predicted to result in premature protein truncation.

Baylor Genetics
Classification: Pathogenic for Familial cancer of breast. Last evaluated: 2023-04-04. Review status: criteria provided, single submitter. Criteria: ACMG Guidelines, 2015. Collection method: clinical testing. Allele origin: unknown.

Ambry Genetics
Classification: Pathogenic for Hereditary cancer-predisposing syndrome. Last evaluated: 2022-10-25. Review status: criteria provided, single submitter. Criteria: Ambry Variant Classification Scheme 2023. Collection method: clinical testing. Allele origin: germline.
Comment: The p.Y2791* pathogenic mutation (also known as c.8373C>A), located in coding exon 56 of the ATM gene, results from a C to A substitution at nucleotide position 8373. This changes the amino acid from a tyrosine to a stop codon within coding exon 56. This variant has been identified likely in trans with an ATM pathogenic variant in an individual diagnosed with ataxia-telangiectasia (Broeks A et al. Hum Mutat, 1998;12:330-7; Verhagen MM et al. Hum Mutat, 2012 Mar;33:561-71). This variant is considered to be rare based on population cohorts in the Genome Aggregation Database (gnomAD). In addition to the clinical data presented in the literature, this alteration is expected to result in loss of function by premature protein truncation or nonsense-mediated mRNA decay. As such, this alteration is interpreted as a disease-causing mutation.

Color Diagnostics, LLC DBA Color Health
Classification: Pathogenic for Hereditary cancer-predisposing syndrome. Last evaluated: 2020-02-26. Review status: criteria provided, single submitter. Criteria: ACMG Guidelines, 2015. Collection method: clinical testing. Allele origin: germline.
Comment: This variant changes 1 nucleotide in exon 57 of the ATM gene, creating a premature translation stop signal. This variant is expected to result in an absent or non-functional protein product. This variant has been reported in the compound heterozygous state in an individual affected with ataxia-telangiectasia (PMID: 9792409, 22213089). This variant has not been identified in the general population by the Genome Aggregation Database (gnomAD). Loss of ATM function is a known mechanism of disease. Based on the available evidence, this variant is classified as Pathogenic.

GeneDx
Classification: Pathogenic. Last evaluated: 2016-09-06. Review status: criteria provided, single submitter. Criteria: GeneDx Variant Classification (06012015). Collection method: clinical testing. Allele origin: germline. Affected: yes.
Comment: This variant is denoted ATM c.8373C>A at the cDNA level and p.Tyr2791Ter (Y2791X) at the protein level. The substitution creates a nonsense variant, which changes a Tyrosine to a premature stop codon (TAC>TAA), and is predicted to cause loss of normal protein function through either protein truncation or nonsense-mediated mRNA decay. This variant has been reported in the compound heterozygous state in two individuals with ataxia-telangiectasia (Broeks 1998, Verhagen 2012), and is considered pathogenic.

Neuberg Centre For Genomic Medicine, NCGM
Classification: Likely pathogenic for Ataxia-telangiectasia syndrome. Review status: criteria provided, single submitter. Criteria: ACMG Guidelines, 2015. Collection method: clinical testing. Allele origin: germline. Inheritance: Autosomal recessive inheritance. Affected: yes.
Comment: The stop gain variant c.8373C>A (p.Tyr2791Ter) in the ATM gene has been reported previously in compound heterozygous state in a patient affected with ataxia-telangiectasia (Verhagen MM. et al., 2012). Recent studies have confirmed that some variants of ATM in heterozygous state are associated with an increased risk of breast cancer development and a worse prognosis (Stucci LS. et al., 2021). However, association of p.Tyr2791Ter with breast cancer is currently not available in literature. The variant is novel in gnomAD Exomes and 1000 Genomes. It has been submitted to ClinVar as Pathogenic. Loss of function variants have been previously reported to be disease causing. For these reasons, this variant has been classified as Likely Pathogenic.

Counsyl
Classification: Pathogenic for Ataxia-telangiectasia syndrome. Last evaluated: 2018-04-19. Review status: no assertion criteria provided. Collection method: clinical testing. Allele origin: unknown. Not counted in ClinVar's aggregate classification.

Literature cited by the submitters: PubMed 23807571 (cited by Labcorp Genetics (formerly Invitae), Labcorp); PubMed 25614872 (cited by Labcorp Genetics (formerly Invitae), Labcorp); PubMed 9792409 (cited by 5 submitters); PubMed 22213089 (cited by 3 submitters); PubMed 37878632 (cited by Natera, Inc.).